The following is an entry in ClinVar:

NM_000256.3(MYBPC3):c.2613C>G (p.Ser871Arg)

Gene: MYBPC3 (myosin binding protein C3; minus strand). Cytogenetic location: 11p11.2.
Variant type: single nucleotide variant.
Coding change: c.2613C>G on transcript NM_000256.3 (MANE Select); coding-DNA position 2613, C replaced by G.
Protein change: p.Ser871Arg; replaces serine 871 with arginine.
Molecular consequence: missense variant.
Genome position (GRCh38, 1-based): chr11:47,336,001, G>C on the plus strand (C>G on the coding strand, the complement: MYBPC3 is on the minus strand). VCF-style: chr11-47336001-G-C. GRCh37 (hg19) VCF-style: chr11-47357552-G-C.
Other names: short protein forms S871R.
Identifiers: ClinVar variation 3893737 (VCV003893737.1).

ClinVar aggregate classification (germline): Uncertain significance (1 of 4 stars; one submission).

Conditions:
Cardiomyopathy (CMYO). Also called: Cardiomyopathies. Identifiers: Orphanet 167848, MedGen C0878544, MONDO:0004994, HP:0001638. Inheritance: Various modes of inheritance.

Submission:

Color Diagnostics, LLC DBA Color Health
Classification: Uncertain significance for Cardiomyopathy. Last evaluated: 2024-04-15. Review status: criteria provided, single submitter. Criteria: ACMG Guidelines, 2015. Collection method: clinical testing. Allele origin: germline.
Comment: This missense variant replaces serine with arginine at codon 871 of the MYBPC3 protein. Computational prediction suggests that this variant may not impact protein structure and function (internally defined REVEL score threshold <= 0.5, PMID: 27666373). To our knowledge, functional studies have not been reported for this variant. This variant has not been reported in individuals affected with MYBPC3-related disorders in the literature. This variant has not been identified in the general population by the Genome Aggregation Database (gnomAD). The available evidence is insufficient to determine the role of this variant in disease conclusively. Therefore, this variant is classified as a Variant of Uncertain Significance.